The following is an entry in ClinVar:

NM_000213.5(ITGB4):c.2255-1G>C

Gene: ITGB4 (integrin subunit beta 4; plus strand). Cytogenetic location: 17q25.1.
Variant type: single nucleotide variant.
Coding change: c.2255-1G>C on transcript NM_000213.5 (MANE Select); the canonical splice acceptor site of the intron before coding-DNA position 2255, G replaced by C.
Molecular consequence: splice acceptor variant.
Genome position (GRCh38, 1-based): chr17:75,739,879, G>C. VCF-style: chr17-75739879-G-C. GRCh37 (hg19) VCF-style: chr17-73735960-G-C.
Other names: c.2255-1G>C (NM_001005619.2, NM_001005731.3, NM_001438834.1 and 1 more transcripts).
Identifiers: ClinVar variation 2758166 (VCV002758166.3), dbSNP rs2545786054, ClinGen allele CA401062673.

ClinVar aggregate classification (germline): Likely pathogenic (1 of 4 stars; one submission).

Submission:

Labcorp Genetics (formerly Invitae), Labcorp
Classification: Likely pathogenic. Last evaluated: 2023-09-05. Review status: criteria provided, single submitter. Criteria: Invitae Variant Classification Sherloc (09022015). Collection method: clinical testing. Allele origin: germline.
Comment: In summary, the currently available evidence indicates that the variant is pathogenic, but additional data are needed to prove that conclusively. Therefore, this variant has been classified as Likely Pathogenic. Algorithms developed to predict the effect of sequence changes on RNA splicing suggest that this variant may disrupt the consensus splice site. This variant has not been reported in the literature in individuals affected with ITGB4-related conditions. This variant is not present in population databases (gnomAD no frequency). This sequence change affects an acceptor splice site in intron 19 of the ITGB4 gene. It is expected to disrupt RNA splicing. Variants that disrupt the donor or acceptor splice site typically lead to a loss of protein function (PMID: 16199547), and loss-of-function variants in ITGB4 are known to be pathogenic (PMID: 11328943, 16473856).

Literature cited by the submitters: PubMed 16199547; PubMed 11328943; PubMed 16473856.